The following is an entry in ClinVar:

ClinVar aggregate classification (germline): Uncertain significance. Review status: criteria provided, multiple submitters, no conflicts (2 of 4 stars). 3 submissions from 3 submitters: Uncertain significance (3). Last evaluated 2024-12-12.

Conditions:
Hereditary cancer-predisposing syndrome. Also called: Tumor predisposition; Neoplastic Syndromes, Hereditary; Hereditary Cancer Syndrome; Hereditary neoplastic syndrome. Identifiers: Orphanet 140162, MedGen C0027672, MeSH D009386, MONDO:0015356.
Ataxia-telangiectasia syndrome (AT). Also called: ATAXIA-TELANGIECTASIA, COMPLEMENTATION GROUP A; ATAXIA-TELANGIECTASIA, FRESNO VARIANT; LOUIS-BAR SYNDROME; Ataxia telangiectasia (A-T); Cerebello-oculocutaneous telangiectasia; Immunodeficiency with ataxia telangiectasia. Identifiers: Orphanet 100, MedGen C0004135, MONDO:0008840, OMIM 208900.

Submissions (3):

Labcorp Genetics (formerly Invitae), Labcorp
Classification: Uncertain significance for Ataxia-telangiectasia syndrome. Last evaluated: 2024-12-12. Review status: criteria provided, single submitter. Criteria: Invitae Variant Classification Sherloc (09022015). Collection method: clinical testing. Allele origin: germline.
Comment: This sequence change replaces aspartic acid, which is acidic and polar, with histidine, which is basic and polar, at codon 1563 of the ATM protein (p.Asp1563His). This variant is not present in population databases (gnomAD no frequency). This variant has not been reported in the literature in individuals affected with ATM-related conditions. ClinVar contains an entry for this variant (Variation ID: 629996). Invitae Evidence Modeling of protein sequence and biophysical properties (such as structural, functional, and spatial information, amino acid conservation, physicochemical variation, residue mobility, and thermodynamic stability) indicates that this missense variant is not expected to disrupt ATM protein function with a negative predictive value of 95%. In summary, the available evidence is currently insufficient to determine the role of this variant in disease. Therefore, it has been classified as a Variant of Uncertain Significance.

Ambry Genetics
Classification: Uncertain significance for Hereditary cancer-predisposing syndrome. Last evaluated: 2023-12-30. Review status: criteria provided, single submitter. Criteria: Ambry Variant Classification Scheme 2023. Collection method: clinical testing. Allele origin: germline.
Comment: The p.D1563H variant (also known as c.4687G>C), located in coding exon 30 of the ATM gene, results from a G to C substitution at nucleotide position 4687. The aspartic acid at codon 1563 is replaced by histidine, an amino acid with similar properties. This amino acid position is conserved. In addition, the in silico prediction for this alteration is inconclusive. Since supporting evidence is limited at this time, the clinical significance of this alteration remains unclear.

Color Diagnostics, LLC DBA Color Health
Classification: Uncertain significance for Hereditary cancer-predisposing syndrome. Last evaluated: 2023-12-05. Review status: criteria provided, single submitter. Criteria: ACMG Guidelines, 2015. Collection method: clinical testing. Allele origin: germline.
Comment: This missense variant replaces aspartic acid with histidine at codon 1563 of the ATM protein. Computational prediction suggests that this variant may not impact protein structure and function (internally defined REVEL score threshold <= 0.5, PMID: 27666373). To our knowledge, functional studies have not been reported for this variant. This variant has not been reported in individuals affected with ATM-related disorders in the literature. This variant has not been identified in the general population by the Genome Aggregation Database (gnomAD). The available evidence is insufficient to determine the role of this variant in disease conclusively. Therefore, this variant is classified as a Variant of Uncertain Significance.

NM_000051.4(ATM):c.4687G>C (p.Asp1563His)

Gene: ATM (ATM serine/threonine kinase; plus strand). Cytogenetic location: 11q22.3.
Variant type: single nucleotide variant.
Coding change: c.4687G>C on transcript NM_000051.4 (MANE Select); coding-DNA position 4687, G replaced by C.
Protein change: p.Asp1563His; replaces aspartic acid 1563 with histidine.
Molecular consequence: missense variant.
Genome position (GRCh38, 1-based): chr11:108,293,388, G>C. VCF-style: chr11-108293388-G-C. GRCh37 (hg19) VCF-style: chr11-108164115-G-C.
Other names: c.4687G>C, p.Asp1563His (NM_001351834.2); short protein forms D1563H.
Identifiers: ClinVar variation 629996 (VCV000629996.9), dbSNP rs1464587365, ClinGen allele CA382534781.